The following is an entry in ClinVar:

ClinVar aggregate classification (germline): Pathogenic (1 of 4 stars; one submission).

Submission:

GeneDx
Classification: Pathogenic. Last evaluated: 2026-01-26. Review status: criteria provided, single submitter. Criteria: GeneDx Variant Classification Process June 2021. Collection method: clinical testing. Allele origin: germline.
Comment: Frameshift variant predicted to result in protein truncation or nonsense mediated decay in a gene for which loss of function is a known mechanism of disease; Not observed at significant frequency in large population cohorts (gnomAD); Has not been previously published as pathogenic or benign to our knowledge

NM_000545.8(HNF1A):c.-3_25dup (p.Gln9delinsArgHisGlyPheTer)

Gene: HNF1A (HNF1 homeobox A; plus strand). Cytogenetic location: 12q24.31.
Variant type: Duplication.
Coding change: c.-3_25dup on transcript NM_000545.8 (MANE Select); 3 bases upstream of the start codon through coding-DNA position 25, 28 bases duplicated (GCCATGGTTTCTAAACTGAGCCAGCTGC).
Protein change: p.Gln9delinsArgHisGlyPheTer.
Molecular consequence: nonsense, initiator codon variant.
Genome position (GRCh38, 1-based): chr12:120,978,766-120,978,793, GCCATGGTTTCTAAACTGAGCCAGCTGC duplicated. VCF-style (leftmost placement, unchanged base first): chr12-120978765-A-AGCCATGGTTTCTAAACTGAGCCAGCTGC. GRCh37 (hg19) VCF-style: chr12-121416568-A-AGCCATGGTTTCTAAACTGAGCCAGCTGC.
Other names: c.-3_25dup, p.Gln9delinsArgHisGlyPheTer (NM_001306179.2, NM_001406915.1).
Identifiers: ClinVar variation 4975038 (VCV004975038.1).